The following is an entry in ClinVar:

ClinVar aggregate classification (germline): Uncertain significance (1 of 4 stars; one submission).

gnomAD v4.1: 1 of 1,614,034 alleles (0.000062%); highest among the groups gnomAD compares: Non-Finnish European, 0.000085%; no homozygotes.

Submission:

Labcorp Genetics (formerly Invitae), Labcorp
Classification: Uncertain significance. Last evaluated: 2025-12-17. Review status: criteria provided, single submitter. Criteria: Invitae Variant Classification Sherloc (09022015). Collection method: clinical testing. Allele origin: germline.
Comment: This sequence change replaces leucine, which is neutral and non-polar, with serine, which is neutral and polar, at codon 314 of the SETBP1 protein (p.Leu314Ser). This variant is not present in population databases (gnomAD no frequency). This variant has not been reported in the literature in individuals affected with SETBP1-related conditions. Invitae Evidence Modeling of protein sequence and biophysical properties (such as structural, functional, and spatial information, amino acid conservation, physicochemical variation, residue mobility, and thermodynamic stability) indicates that this missense variant is not expected to disrupt SETBP1 protein function with a negative predictive value of 80%. In summary, the available evidence is currently insufficient to determine the role of this variant in disease. Therefore, it has been classified as a Variant of Uncertain Significance.

NM_015559.3(SETBP1):c.941T>C (p.Leu314Ser)

Gene: SETBP1 (SET binding protein 1; plus strand). Cytogenetic location: 18q12.3.
Variant type: single nucleotide variant.
Coding change: c.941T>C on transcript NM_015559.3 (MANE Select); coding-DNA position 941, T replaced by C.
Protein change: p.Leu314Ser; replaces leucine 314 with serine.
Molecular consequence: missense variant.
Genome position (GRCh38, 1-based): chr18:44,950,281, T>C. VCF-style: chr18-44950281-T-C. GRCh37 (hg19) VCF-style: chr18-42530246-T-C.
Other names: c.941T>C, p.Leu314Ser (NM_001379141.1, NM_001379142.1, NM_001410862.1); short protein forms L314S.
Identifiers: ClinVar variation 4772859 (VCV004772859.1).